The following is an entry in ClinVar:

ClinVar aggregate classification (germline): Uncertain significance (1 of 4 stars; one submission).

Conditions:
Developmental and epileptic encephalopathy, 12 (DEE12). Identifiers: MedGen C3150988, MONDO:0013389, OMIM 613722.

Submission:

Labcorp Genetics (formerly Invitae), Labcorp
Classification: Uncertain significance for Developmental and epileptic encephalopathy, 12. Last evaluated: 2019-12-14. Review status: criteria provided, single submitter. Criteria: Invitae Variant Classification Sherloc (09022015). Collection method: clinical testing. Allele origin: germline.
Comment: In summary, the available evidence is currently insufficient to determine the role of this variant in disease. Therefore, it has been classified as a Variant of Uncertain Significance. Experimental studies and prediction algorithms are not available or were not evaluated, and the functional significance of this variant is currently unknown. This variant has not been reported in the literature in individuals with PNKP-related conditions. This variant is not present in population databases (ExAC no frequency). This variant, c.1303_1305del, results in the deletion of 1 amino acid(s) of the PNKP protein (p.Val435del), but otherwise preserves the integrity of the reading frame.

NM_007254.4(PNKP):c.1303_1305del (p.Val435del)

Gene: PNKP (polynucleotide kinase 3'-phosphatase; minus strand). Cytogenetic location: 19q13.33.
Variant type: Deletion.
Coding change: c.1303_1305del on transcript NM_007254.4 (MANE Select); coding-DNA positions 1303 to 1305, 3 bases deleted (GTC; older notation c.1303_1305delGTC).
Protein change: p.Val435del; deletes valine 435.
Molecular consequence: inframe deletion.
Genome position (GRCh38, 1-based): chr19:49,861,689-49,861,691, GAC deleted on the plus strand (GTC on the coding strand, the reverse complement: PNKP is on the minus strand); deleting any 3 consecutive bases within chr19:49,861,689-49,861,692 gives the same sequence; the c. name uses the placement nearest the transcript's 3' end. VCF-style (leftmost placement, unchanged base first): chr19-49861688-GGAC-G. GRCh37 (hg19) VCF-style: chr19-50364945-GGAC-G.
Other names: short protein forms V435del.
Identifiers: ClinVar variation 843398 (VCV000843398.12), dbSNP rs2074764505, ClinGen allele CA916083710.